The following is an entry in ClinVar:

ClinVar aggregate classification (germline): Uncertain significance (1 of 4 stars; one submission).

Allele frequency attached by ClinVar (database versions not stated): gnomAD exomes 0.00001; ExAC 0.00006.
gnomAD v4.1: 17 of 1,613,816 alleles (0.0011%); highest among the groups gnomAD compares: South Asian, 0.019%; no homozygotes.

Submission:

Labcorp Genetics (formerly Invitae), Labcorp
Classification: Uncertain significance. Last evaluated: 2022-05-05. Review status: criteria provided, single submitter. Criteria: Invitae Variant Classification Sherloc (09022015). Collection method: clinical testing. Allele origin: germline.
Comment: In summary, the available evidence is currently insufficient to determine the role of this variant in disease. Therefore, it has been classified as a Variant of Uncertain Significance. Algorithms developed to predict the effect of missense changes on protein structure and function (SIFT, PolyPhen-2, Align-GVGD) all suggest that this variant is likely to be tolerated. This variant has not been reported in the literature in individuals affected with RAI1-related conditions. This variant is present in population databases (rs757221860, gnomAD 0.02%). This sequence change replaces lysine, which is basic and polar, with glutamic acid, which is acidic and polar, at codon 774 of the RAI1 protein (p.Lys774Glu).

NM_030665.4(RAI1):c.2320A>G (p.Lys774Glu)

Gene: RAI1 (retinoic acid induced 1; plus strand). Cytogenetic location: 17p11.2.
Variant type: single nucleotide variant.
Coding change: c.2320A>G on transcript NM_030665.4 (MANE Select); coding-DNA position 2320, A replaced by G.
Protein change: p.Lys774Glu; replaces lysine 774 with glutamic acid.
Molecular consequence: missense variant.
Genome position (GRCh38, 1-based): chr17:17,795,268, A>G. VCF-style: chr17-17795268-A-G. GRCh37 (hg19) VCF-style: chr17-17698582-A-G.
Other names: short protein forms K774E.
Identifiers: ClinVar variation 2134178 (VCV002134178.4), dbSNP rs757221860, ClinGen allele CA8418511.